The following is an entry in ClinVar:

ClinVar aggregate classification (germline): Uncertain significance (1 of 4 stars; one submission).

Submission:

Ambry Genetics
Classification: Uncertain significance. Last evaluated: 2024-08-18. Review status: criteria provided, single submitter. Criteria: Ambry Variant Classification Scheme 2023. Collection method: clinical testing. Allele origin: germline.
Comment: The p.Q633P variant (also known as c.1898A>C), located in coding exon 17 of the RAD54L gene, results from an A to C substitution at nucleotide position 1898. The glutamine at codon 633 is replaced by proline, an amino acid with similar properties. This amino acid position is conserved. In addition, this alteration is predicted to be deleterious by in silico analysis. Based on the available evidence, the clinical significance of this variant remains unclear.

NM_003579.4(RAD54L):c.1898A>C (p.Gln633Pro)

Genes: LRRC41 (leucine rich repeat containing 41; minus strand), RAD54L (RAD54 like; plus strand). Cytogenetic location: 1p34.1.
Variant type: single nucleotide variant.
Coding change: c.1898A>C on transcript NM_003579.4 (MANE Select); coding-DNA position 1898, A replaced by C.
Protein change: p.Gln633Pro; replaces glutamine 633 with proline.
Molecular consequence: missense variant. On other transcripts: 3 prime UTR variant (1).
Genome position (GRCh38, 1-based): chr1:46,277,845, A>C. VCF-style: chr1-46277845-A-C. GRCh37 (hg19) VCF-style: chr1-46743517-A-C.
Other names: c.*1020T>G (NM_006369.5); c.1898A>C, p.Gln633Pro (NM_001142548.2); c.1358A>C, p.Gln453Pro (NM_001370766.1); short protein forms Q633P, Q453P.
Identifiers: ClinVar variation 3429807 (VCV003429807.1).
Genomic context (GRCh38, chr1:46,277,845, plus strand): 5'-TCTTTTGACATTCCCCACCTCCTCTTCCCCAGGCAGGGACCATTGAGGAGAAGATCTTCC[A>C]GCGTCAGAGCCACAAGAAGGCACTGAGCAGCTGTGTGGTGGATGAGGAGCAGGATGTAGA-3'
Protein context (NP_003570.2, residues 623-643): SAGTIEEKIF[Gln633Pro]RQSHKKALSS